The following is an entry in ClinVar:

NM_000136.3(FANCC):c.340A>G (p.Ile114Val)

Gene: FANCC (FA complementation group C; minus strand). Cytogenetic location: 9q22.32.
Variant type: single nucleotide variant.
Coding change: c.340A>G on transcript NM_000136.3 (MANE Select); coding-DNA position 340, A replaced by G.
Protein change: p.Ile114Val; replaces isoleucine 114 with valine.
Molecular consequence: missense variant.
Genome position (GRCh38, 1-based): chr9:95,240,654, T>C on the plus strand (A>G on the coding strand, the complement: FANCC is on the minus strand). VCF-style: chr9-95240654-T-C. GRCh37 (hg19) VCF-style: chr9-98002936-T-C.
Other names: c.340A>G, p.Ile114Val (NM_001243743.2, NM_001243744.2); short protein forms I114V.
Identifiers: ClinVar variation 1481043 (VCV001481043.8), dbSNP rs1830580247, ClinGen allele CA374339172.

ClinVar aggregate classification (germline): Conflicting classifications of pathogenicity. Review status: criteria provided, conflicting classifications (1 of 4 stars). 2 submissions from 2 submitters: Uncertain significance (1); Likely benign (1). Last evaluated 2022-10-22.

Conditions:
Hereditary cancer-predisposing syndrome. Also called: Tumor predisposition; Hereditary Cancer Syndrome; Hereditary neoplastic syndrome; Neoplastic Syndromes, Hereditary. Identifiers: Orphanet 140162, MedGen C0027672, MeSH D009386, MONDO:0015356.
Fanconi anemia (FA). Also called: Fanconi's anemia. Identifiers: Orphanet 84, MedGen C0015625, MeSH D005199, MONDO:0019391.

Submissions (2):

Ambry Genetics
Classification: Likely benign for Hereditary cancer-predisposing syndrome. Last evaluated: 2022-10-22. Review status: criteria provided, single submitter. Criteria: Ambry Variant Classification Scheme 2023. Collection method: clinical testing. Allele origin: germline.

Labcorp Genetics (formerly Invitae), Labcorp
Classification: Uncertain significance for Fanconi anemia. Last evaluated: 2021-09-02. Review status: criteria provided, single submitter. Criteria: Invitae Variant Classification Sherloc (09022015). Collection method: clinical testing. Allele origin: germline.
Comment: Algorithms developed to predict the effect of missense changes on protein structure and function output the following: SIFT: "Tolerated"; PolyPhen-2: "Benign"; Align-GVGD: "Class C0". The valine amino acid residue is found in multiple mammalian species, which suggests that this missense change does not adversely affect protein function. This sequence change replaces isoleucine with valine at codon 114 of the FANCC protein (p.Ile114Val). The isoleucine residue is moderately conserved and there is a small physicochemical difference between isoleucine and valine. This variant is not present in population databases (ExAC no frequency). This variant has not been reported in the literature in individuals affected with FANCC-related conditions. Algorithms developed to predict the effect of sequence changes on RNA splicing suggest that this variant may create or strengthen a splice site. In summary, the available evidence is currently insufficient to determine the role of this variant in disease. Therefore, it has been classified as a Variant of Uncertain Significance.